The following is an entry in ClinVar:

ClinVar aggregate classification (germline): Uncertain significance (1 of 4 stars; one submission).

Submission:

Labcorp Genetics (formerly Invitae), Labcorp
Classification: Uncertain significance. Last evaluated: 2022-04-09. Review status: criteria provided, single submitter. Criteria: Invitae Variant Classification Sherloc (09022015). Collection method: clinical testing. Allele origin: germline.
Comment: This sequence change replaces aspartic acid, which is acidic and polar, with glutamic acid, which is acidic and polar, at codon 255 of the NDST1 protein (p.Asp255Glu). This variant is not present in population databases (gnomAD no frequency). In summary, the available evidence is currently insufficient to determine the role of this variant in disease. Therefore, it has been classified as a Variant of Uncertain Significance. Algorithms developed to predict the effect of missense changes on protein structure and function (SIFT, PolyPhen-2, Align-GVGD) all suggest that this variant is likely to be tolerated. This variant has not been reported in the literature in individuals affected with NDST1-related conditions.

NM_001543.5(NDST1):c.765C>A (p.Asp255Glu)

Gene: NDST1 (N-deacetylase and N-sulfotransferase 1; plus strand). Cytogenetic location: 5q33.1.
Variant type: single nucleotide variant.
Coding change: c.765C>A on transcript NM_001543.5 (MANE Select); coding-DNA position 765, C replaced by A.
Protein change: p.Asp255Glu; replaces aspartic acid 255 with glutamic acid.
Molecular consequence: missense variant.
Genome position (GRCh38, 1-based): chr5:150,528,055, C>A. VCF-style: chr5-150528055-C-A. GRCh37 (hg19) VCF-style: chr5-149907617-C-A.
Other names: c.765C>A, p.Asp255Glu (NM_001301063.2); short protein forms D255E.
Identifiers: ClinVar variation 2123913 (VCV002123913.4), dbSNP rs561094188, ClinGen allele CA361764402.